The following is an entry in ClinVar:

NM_032638.5(GATA2):c.193C>T (p.His65Tyr)

Gene: GATA2 (GATA binding protein 2; minus strand). Cytogenetic location: 3q21.3.
Variant type: single nucleotide variant.
Coding change: c.193C>T on transcript NM_032638.5 (MANE Select); coding-DNA position 193, C replaced by T.
Protein change: p.His65Tyr; replaces histidine 65 with tyrosine.
Molecular consequence: missense variant.
Genome position (GRCh38, 1-based): chr3:128,486,839, G>A on the plus strand (C>T on the coding strand, the complement: GATA2 is on the minus strand). VCF-style: chr3-128486839-G-A. GRCh37 (hg19) VCF-style: chr3-128205682-G-A.
Other names: c.193C>T, p.His65Tyr (NM_001145661.2, NM_001145662.1); c.193C>T (NM_032638.4); short protein forms H65Y.
Identifiers: ClinVar variation 1393730 (VCV001393730.9), dbSNP rs2107673433, ClinGen allele CA354408356.
Genomic context (GRCh38, chr3:128,486,839, plus strand): 5'-CATCACCACGGGCCCAGTGCTCACCGTGCGCGGGGCTGTAGGAGACGCGCGCCCGCGCGT[G>A]AGCGGGGTTGGCATAGTAGGGGTTGCCCTGCGAGTCGAGGTGATTGAAGAAGACGTCCAC-3'
Protein context (NP_116027.2, residues 55-75): QGNPYYANPA[His65Tyr]ARARVSYSPA

ClinVar aggregate classification (germline): Uncertain significance. Review status: criteria provided, multiple submitters, no conflicts (2 of 4 stars). 2 submissions from 2 submitters: Uncertain significance (2). Last evaluated 2025-05-16.

Conditions:
Inborn genetic diseases. Identifiers: MedGen C0950123, MeSH D030342.
Monocytopenia with susceptibility to infections. Also called: IMMUNODEFICIENCY 21; GATA2 DEFICIENCY; Dendritic cell, monocyte, B lymphocyte, and natural killer lymphocyte deficiency; MONOCYTOPENIA AND MYCOBACTERIAL INFECTION SYNDROME; MONOCYTOPENIA WITH SUSCEPTIBILITY TO MYCOBACTERIAL, FUNGAL, AND PAPILLOMAVIRUS INFECTIONS AND MYELODYSPLASIA; COMBINED IMMUNODEFICIENCY WITH SUSCEPTIBILITY TO MYCOBACTERIAL, VIRAL, AND FUNGAL INFECTIONS. Identifiers: Orphanet 228423, MedGen C3280030, MONDO:0013607, OMIM 614172.
Deafness-lymphedema-leukemia syndrome. Also called: Emberger syndrome; Lymphedema, primary, with myelodysplasia. Identifiers: Orphanet 3226, MedGen C3279664, MONDO:0013540, OMIM 614038.

Submissions (2):

Ambry Genetics
Classification: Uncertain significance for Inborn genetic diseases. Last evaluated: 2025-05-16. Review status: criteria provided, single submitter. Criteria: Ambry Variant Classification Scheme 2023. Collection method: clinical testing. Allele origin: germline.
Comment: The p.H65Y variant (also known as c.193C>T), located in coding exon 1 of the GATA2 gene, results from a C to T substitution at nucleotide position 193. The histidine at codon 65 is replaced by tyrosine, an amino acid with similar properties. This amino acid position is highly conserved in available vertebrate species. In addition, this alteration is predicted to be deleterious by in silico analysis. Based on the available evidence, the clinical significance of this variant remains unclear.

Labcorp Genetics (formerly Invitae), Labcorp
Classification: Uncertain significance for Monocytopenia with susceptibility to infections; Deafness-lymphedema-leukemia syndrome. Last evaluated: 2021-05-07. Review status: criteria provided, single submitter. Criteria: Invitae Variant Classification Sherloc (09022015). Collection method: clinical testing. Allele origin: germline.
Comment: This sequence change replaces histidine with tyrosine at codon 65 of the GATA2 protein (p.His65Tyr). The histidine residue is moderately conserved and there is a moderate physicochemical difference between histidine and tyrosine. In summary, the available evidence is currently insufficient to determine the role of this variant in disease. Therefore, it has been classified as a Variant of Uncertain Significance. Advanced modeling of protein sequence and biophysical properties (such as structural, functional, and spatial information, amino acid conservation, physicochemical variation, residue mobility, and thermodynamic stability) performed at Invitae indicates that this missense variant is not expected to disrupt GATA2 protein function. This variant has not been reported in the literature in individuals with GATA2-related conditions. This variant is not present in population databases (ExAC no frequency).